The following is an entry in ClinVar:

NM_001319074.4(RAX2):c.*381A>G

Gene: RAX2 (retina and anterior neural fold homeobox 2; minus strand). Cytogenetic location: 19p13.3.
Variant type: single nucleotide variant.
Coding change: c.*381A>G on transcript NM_001319074.4 (MANE Select); 381 bases downstream of the stop codon, A replaced by G.
Molecular consequence: 3 prime UTR variant.
Genome position (GRCh38, 1-based): chr19:3,770,240, T>C on the plus strand (A>G on the coding strand, the complement: RAX2 is on the minus strand). VCF-style: chr19-3770240-T-C. GRCh37 (hg19) VCF-style: chr19-3770238-T-C.
Other names: c.*381A>G (NM_032753.4).
Identifiers: ClinVar variation 328961 (VCV000328961.6), dbSNP rs73531473, ClinGen allele CA10648613.

ClinVar aggregate classification (germline): Benign. Review status: criteria provided, multiple submitters, no conflicts (2 of 4 stars). 3 submissions from 2 submitters: Benign (3). Last evaluated 2018-01-13.

Conditions:
Cone-rod dystrophy 11 (CORD11). Identifiers: Orphanet 1872, MedGen C1835865, MONDO:0012483, OMIM 610381.
Age related macular degeneration 6. Identifiers: MedGen C3151060, MONDO:0013406, OMIM 613757.

Allele frequency attached by ClinVar (database versions not stated): gnomAD exomes 0.00091; gnomAD 0.01212 and 0.01319; 1000 Genomes Project 0.01358; TOPMed 0.01401; 1000 Genomes Project 30x 0.01437.

Submissions (3):

Illumina Laboratory Services, Illumina
Classification: Benign for Cone-rod dystrophy 11. Last evaluated: 2018-01-13. Review status: criteria provided, single submitter. Criteria: ICSL Variant Classification Criteria 13 December 2019. Collection method: clinical testing. Allele origin: germline.
Comment: This variant was observed in the ICSL laboratory as part of a predisposition screen in an ostensibly healthy population. It had not been previously curated by ICSL or reported in the Human Gene Mutation Database (HGMD: prior to June 1st, 2018), and was therefore a candidate for classification through an automated scoring system. Utilizing variant allele frequency, disease prevalence and penetrance estimates, and inheritance mode, an automated score was calculated to assess if this variant is too frequent to cause the disease. Based on the score and internal cut-off values, a variant classified as benign is not then subjected to further curation. The score for this variant resulted in a classification of benign for this disease.

Illumina Laboratory Services, Illumina
Classification: Benign for Age related macular degeneration 6. Last evaluated: 2018-01-13. Review status: criteria provided, single submitter. Criteria: ICSL Variant Classification Criteria 13 December 2019. Collection method: clinical testing. Allele origin: germline.
Comment: the same text as in the submission from Illumina Laboratory Services, Illumina above.

Breakthrough Genomics
Classification: Benign. Review status: criteria provided, single submitter. Criteria: ACMG Guidelines, 2015. Collection method: not provided. Allele origin: germline. Inheritance: Autosomal recessive inheritance. Affected: yes.